The following is an entry in ClinVar:

NM_000350.3(ABCA4):c.371G>A (p.Arg124His)

Gene: ABCA4 (ATP binding cassette subfamily A member 4; minus strand). Cytogenetic location: 1p22.1.
Variant type: single nucleotide variant.
Coding change: c.371G>A on transcript NM_000350.3 (MANE Select); coding-DNA position 371, G replaced by A.
Protein change: p.Arg124His; replaces arginine 124 with histidine.
Molecular consequence: missense variant.
Genome position (GRCh38, 1-based): chr1:94,108,648, C>T on the plus strand (G>A on the coding strand, the complement: ABCA4 is on the minus strand). VCF-style: chr1-94108648-C-T. GRCh37 (hg19) VCF-style: chr1-94574204-C-T.
Other names: c.371G>A, p.Arg124His (NM_001425324.1); short protein forms R124H.
Identifiers: ClinVar variation 1466093 (VCV001466093.4), dbSNP rs769541140, ClinGen allele CA958854.

ClinVar aggregate classification (germline): Uncertain significance. Review status: criteria provided, multiple submitters, no conflicts (2 of 4 stars). 2 submissions from 2 submitters: Uncertain significance (2). Last evaluated 2023-12-15.

Allele frequency attached by ClinVar (database versions not stated): TOPMed below 0.00001; gnomAD 0.00002; ExAC 0.00004.
gnomAD v4.1: 27 of 1,613,828 alleles (0.0017%); highest among the groups gnomAD compares: South Asian, 0.0099%; no homozygotes.

Submissions (2):

Blueprint Genetics
Classification: Uncertain significance. Last evaluated: 2023-12-15. Review status: criteria provided, single submitter. Criteria: ACMG Guidelines, 2015. Collection method: clinical testing. Allele origin: germline.

Labcorp Genetics (formerly Invitae), Labcorp
Classification: Uncertain significance. Last evaluated: 2022-04-29. Review status: criteria provided, single submitter. Criteria: Invitae Variant Classification Sherloc (09022015). Collection method: clinical testing. Allele origin: germline.
Comment: This sequence change replaces arginine, which is basic and polar, with histidine, which is basic and polar, at codon 124 of the ABCA4 protein (p.Arg124His). This variant is present in population databases (rs769541140, gnomAD 0.006%). This variant has not been reported in the literature in individuals affected with ABCA4-related conditions. Advanced modeling of protein sequence and biophysical properties (such as structural, functional, and spatial information, amino acid conservation, physicochemical variation, residue mobility, and thermodynamic stability) performed at Invitae indicates that this missense variant is not expected to disrupt ABCA4 protein function. In summary, the available evidence is currently insufficient to determine the role of this variant in disease. Therefore, it has been classified as a Variant of Uncertain Significance.